The following is an entry in ClinVar:

ClinVar aggregate classification (germline): Likely benign (0 of 4 stars; one submission).

Conditions:
HNRNPUL2-related disorder. Also called: HNRNPUL2-related condition.

Submission:

PreventionGenetics, part of Exact Sciences
Classification: Likely benign for HNRNPUL2-related condition. Last evaluated: 2022-03-18. Review status: no assertion criteria provided. Collection method: clinical testing. Allele origin: germline.
Comment: This variant is classified as likely benign based on ACMG/AMP sequence variant interpretation guidelines (Richards et al. 2015 PMID: 25741868, with internal and published modifications).

NM_001079559.3(HNRNPUL2):c.240GGA[4] (p.Glu84del)

Genes: HNRNPUL2 (heterogeneous nuclear ribonucleoprotein U like 2; minus strand), HNRNPUL2-BSCL2 (HNRNPUL2-BSCL2 readthrough (NMD candidate); minus strand), LOC130005850 (ATAC-STARR-seq lymphoblastoid silent region 3427; plus strand). Cytogenetic location: 11q12.3.
Variant type: Microsatellite.
Coding change: c.240GGA[4] on transcript NM_001079559.3 (MANE Select); four copies in a row of the 3-base unit GGA starting at c.240; the reference has five copies in a row; one copy, 3 bases deleted.
Protein change: p.Glu84del; deletes glutamic acid 84.
Molecular consequence: non-coding transcript variant (on NR_037946.1).
Genome position (GRCh38, 1-based): chr11:62,726,903-62,726,905, TCC deleted on the plus strand (GGA on the coding strand, the reverse complement: HNRNPUL2 is on the minus strand); deleting any 3 consecutive bases within chr11:62,726,903-62,726,919 gives the same sequence; the position shown is the placement nearest the transcript's 3' end. VCF-style (leftmost placement, unchanged base first): chr11-62726902-GTCC-G. GRCh37 (hg19) VCF-style: chr11-62494374-GTCC-G.
Other names: short protein forms E84del.
Identifiers: ClinVar variation 3060927 (VCV003060927.2), dbSNP rs746596459, ClinGen allele CA6054413.